The following is an entry in ClinVar:

ClinVar aggregate classification (germline): Uncertain significance (1 of 4 stars; one submission).

gnomAD v4.1: 1 of 1,613,930 alleles (0.000062%); highest among the groups gnomAD compares: Non-Finnish European, 0.000085%; no homozygotes.

Submission:

Labcorp Genetics (formerly Invitae), Labcorp
Classification: Uncertain significance. Last evaluated: 2025-07-09. Review status: criteria provided, single submitter. Criteria: Invitae Variant Classification Sherloc (09022015). Collection method: clinical testing. Allele origin: germline.
Comment: This sequence change replaces arginine, which is basic and polar, with glycine, which is neutral and non-polar, at codon 495 of the BACH2 protein (p.Arg495Gly). This variant is not present in population databases (gnomAD no frequency). This variant has not been reported in the literature in individuals affected with BACH2-related conditions. Invitae Evidence Modeling of protein sequence and biophysical properties (such as structural, functional, and spatial information, amino acid conservation, physicochemical variation, residue mobility, and thermodynamic stability) indicates that this missense variant is not expected to disrupt BACH2 protein function with a negative predictive value of 80%. In summary, the available evidence is currently insufficient to determine the role of this variant in disease. Therefore, it has been classified as a Variant of Uncertain Significance.

NM_021813.4(BACH2):c.1483C>G (p.Arg495Gly)

Gene: BACH2 (BACH transcriptional regulator 2; minus strand). Cytogenetic location: 6q15.
Variant type: single nucleotide variant.
Coding change: c.1483C>G on transcript NM_021813.4 (MANE Select); coding-DNA position 1483, C replaced by G.
Protein change: p.Arg495Gly; replaces arginine 495 with glycine.
Molecular consequence: missense variant.
Genome position (GRCh38, 1-based): chr6:89,950,623, G>C on the plus strand (C>G on the coding strand, the complement: BACH2 is on the minus strand). VCF-style: chr6-89950623-G-C. GRCh37 (hg19) VCF-style: chr6-90660342-G-C.
Other names: c.1483C>G, p.Arg495Gly (NM_001170794.2); short protein forms R495G.
Identifiers: ClinVar variation 4770751 (VCV004770751.1).
Genomic context (GRCh38, chr6:89,950,623, plus strand): 5'-TCTCCAAGGGGGGTGAGCGAGGGCAGACTTTGATTGGTACCGGGCAGCTGGTGTTGGGCC[G>C]CATCCTTCCTGGCAAGTGGTCGGCCATCAGCCCACCGTGGGAGTAGGCCTGCGAGCTGGG-3'
Protein context (NP_068585.1, residues 485-505): LMADHLPGRM[Arg495Gly]PNTSCPVPIK